The following is an entry in ClinVar:

ClinVar aggregate classification (germline): Uncertain significance (1 of 4 stars; one submission).

gnomAD v4.1: 1 of 1,614,014 alleles (0.000062%); highest among the groups gnomAD compares: Non-Finnish European, 0.000085%; no homozygotes.

Submission:

Ambry Genetics
Classification: Uncertain significance. Last evaluated: 2024-08-03. Review status: criteria provided, single submitter. Criteria: Ambry Variant Classification Scheme 2023. Collection method: clinical testing. Allele origin: germline.
Comment: The p.I1041V variant (also known as c.3121A>G), located in coding exon 17 of the PALLD gene, results from an A to G substitution at nucleotide position 3121. The isoleucine at codon 1041 is replaced by valine, an amino acid with highly similar properties. This amino acid position is conserved. In addition, the in silico prediction for this alteration is inconclusive. Based on the available evidence, the clinical significance of this variant remains unclear.

NM_001166108.2(PALLD):c.3172A>G (p.Ile1058Val)

Genes: CBR4 (carbonyl reductase 4; minus strand), PALLD (palladin, cytoskeletal associated protein; plus strand). Cytogenetic location: 4q32.3.
Variant type: single nucleotide variant.
Coding change: c.3172A>G on transcript NM_001166108.2 (MANE Select); coding-DNA position 3172, A replaced by G.
Protein change: p.Ile1058Val; replaces isoleucine 1058 with valine.
Molecular consequence: missense variant.
Genome position (GRCh38, 1-based): chr4:168,924,368, A>G. VCF-style: chr4-168924368-A-G. GRCh37 (hg19) VCF-style: chr4-169845519-A-G.
Other names: c.1975A>G, p.Ile659Val (NM_001166109.2); c.1660A>G, p.Ile554Val (NM_001166110.2); c.1000A>G, p.Ile334Val (NM_001367567.1, NM_001367569.1); c.1051A>G, p.Ile351Val (NM_001367568.1, NM_001367570.1); c.3121A>G, p.Ile1041Val (NM_016081.4); short protein forms I554V, I659V, I1041V, I334V, I351V, I1058V.
Identifiers: ClinVar variation 3413588 (VCV003413588.1).